The following is an entry in ClinVar:

NM_177438.3(DICER1):c.1660A>G (p.Arg554Gly)

Gene: DICER1 (dicer 1, ribonuclease III; minus strand). Cytogenetic location: 14q32.13.
Variant type: single nucleotide variant.
Coding change: c.1660A>G on transcript NM_177438.3 (MANE Select); coding-DNA position 1660, A replaced by G.
Protein change: p.Arg554Gly; replaces arginine 554 with glycine.
Molecular consequence: missense variant.
Genome position (GRCh38, 1-based): chr14:95,116,545, T>C on the plus strand (A>G on the coding strand, the complement: DICER1 is on the minus strand). VCF-style: chr14-95116545-T-C. GRCh37 (hg19) VCF-style: chr14-95582882-T-C.
Other names: c.1660A>G, p.Arg554Gly (NM_001195573.1, NM_001271282.3, NM_001291628.2 and 1 more transcripts); c.1660A>G (NM_177438.2); short protein forms R554G.
Identifiers: ClinVar variation 1365146 (VCV001365146.10), dbSNP rs148532788, ClinGen allele CA7331445.

ClinVar aggregate classification (germline): Uncertain significance. Review status: criteria provided, multiple submitters, no conflicts (2 of 4 stars). 2 submissions from 2 submitters: Uncertain significance (2). Last evaluated 2025-09-24.

Conditions:
Hereditary cancer-predisposing syndrome. Also called: Hereditary neoplastic syndrome; Hereditary Cancer Syndrome; Neoplastic Syndromes, Hereditary; Tumor predisposition. Identifiers: Orphanet 140162, MedGen C0027672, MeSH D009386, MONDO:0015356.
DICER1-related tumor predisposition. Also called: DICER1-related pleuropulmonary blastoma cancer predisposition syndrome; DICER1 syndrome. Identifiers: Orphanet 284343, MedGen C3839822, MONDO:0100216.

Allele frequency attached by ClinVar (database versions not stated): ExAC 0.00001; gnomAD 0.00001; 1000 Genomes Project 30x 0.00016; 1000 Genomes Project 0.00020.

Submissions (2):

Ambry Genetics
Classification: Uncertain significance for Hereditary cancer-predisposing syndrome. Last evaluated: 2025-09-24. Review status: criteria provided, single submitter. Criteria: Ambry Variant Classification Scheme 2023. Collection method: clinical testing. Allele origin: germline.
Comment: The p.R554G variant (also known as c.1660A>G), located in coding exon 9 of the DICER1 gene, results from an A to G substitution at nucleotide position 1660. The arginine at codon 554 is replaced by glycine, an amino acid with dissimilar properties. This amino acid position is highly conserved in available vertebrate species. In addition, this alteration is predicted to be deleterious by in silico analysis. Based on the available evidence, the clinical significance of this variant remains unclear.

Labcorp Genetics (formerly Invitae), Labcorp
Classification: Uncertain significance for DICER1-related tumor predisposition. Last evaluated: 2021-01-16. Review status: criteria provided, single submitter. Criteria: Invitae Variant Classification Sherloc (09022015). Collection method: clinical testing. Allele origin: germline.
Comment: In summary, the available evidence is currently insufficient to determine the role of this variant in disease. Therefore, it has been classified as a Variant of Uncertain Significance. Algorithms developed to predict the effect of missense changes on protein structure and function (SIFT, PolyPhen-2, Align-GVGD) all suggest that this variant is likely to be disruptive, but these predictions have not been confirmed by published functional studies and their clinical significance is uncertain. This variant has not been reported in the literature in individuals with DICER1-related conditions. This variant is present in population databases (rs148532788, ExAC 0.01%). This sequence change replaces arginine with glycine at codon 554 of the DICER1 protein (p.Arg554Gly). The arginine residue is highly conserved and there is a moderate physicochemical difference between arginine and glycine.